The following is an entry in ClinVar:

ClinVar aggregate classification (germline): Uncertain significance. Review status: criteria provided, multiple submitters, no conflicts (2 of 4 stars). 3 submissions from 3 submitters: Uncertain significance (3). Last evaluated 2024-08-05.

Conditions:
Optic atrophy 10 with or without ataxia, impaired intellectual development, and seizures. Also called: Optic atrophy 10 with or without ataxia, intellectual disability, and seizures; OPTIC ATROPHY 10 WITH OR WITHOUT ATAXIA, MENTAL RETARDATION, AND SEIZURES. Identifiers: MedGen C4225227, MONDO:0020737, OMIM 616732.

Submissions (3):

Labcorp Genetics (formerly Invitae), Labcorp
Classification: Uncertain significance. Last evaluated: 2024-08-05. Review status: criteria provided, single submitter. Criteria: Invitae Variant Classification Sherloc (09022015). Collection method: clinical testing. Allele origin: germline.
Comment: This variant, c.104_117delinsGAAGGATT, is a complex sequence change that results in the deletion of 5 and insertion of 3 amino acid(s) in the RTN4IP1 protein (p.Thr35_Arg39delinsArgArgIle). Information on the frequency of this variant in the gnomAD database is not available, as this variant may be reported differently in the database. This variant has not been reported in the literature in individuals affected with RTN4IP1-related conditions. An algorithm developed to predict the effect of missense changes on protein structure and function (PolyPhen-2) suggests that this variant is likely to be disruptive. In summary, the available evidence is currently insufficient to determine the role of this variant in disease. Therefore, it has been classified as a Variant of Uncertain Significance.

Fulgent Genetics
Classification: Uncertain significance for Optic atrophy 10 with or without ataxia, impaired intellectual development, and seizures. Last evaluated: 2022-03-03. Review status: criteria provided, single submitter. Criteria: ACMG Guidelines, 2015. Collection method: clinical testing. Allele origin: unknown.

Genetic Services Laboratory, University of Chicago
Classification: Uncertain significance. Last evaluated: 2019-07-30. Review status: criteria provided, single submitter. Criteria: ACMG Guidelines, 2015. Collection method: clinical testing. Allele origin: germline. Affected: no.

NM_032730.5(RTN4IP1):c.104_117delinsGAAGGATT (p.Thr35_Arg39delinsArgArgIle)

Gene: RTN4IP1 (reticulon 4 interacting protein 1; minus strand). Cytogenetic location: 6q21.
Variant type: Indel.
Coding change: c.104_117delinsGAAGGATT on transcript NM_032730.5 (MANE Select); coding-DNA positions 104 to 117, CTACCTCTCCTAGG replaced by GAAGGATT.
Protein change: p.Thr35_Arg39delinsArgArgIle.
Molecular consequence: inframe indel. On other transcripts: intron variant (1).
Genome position (GRCh38, 1-based): chr6:106,628,905-106,628,918, CCTAGGAGAGGTAG replaced by AATCCTTC on the plus strand (CTACCTCTCCTAGG replaced by GAAGGATT on the coding strand, the reverse complement: RTN4IP1 is on the minus strand). VCF-style: chr6-106628905-CCTAGGAGAGGTAG-AATCCTTC. GRCh37 (hg19) VCF-style: chr6-107076780-CCTAGGAGAGGTAG-AATCCTTC.
Other names: c.-27+1409_-27+1422delinsGAAGGATT (NM_001318746.1).
Identifiers: ClinVar variation 1334802 (VCV001334802.8), dbSNP rs2114690778, ClinGen allele CA2573052558.
Genomic context (GRCh38, chr6:106,628,905, plus strand): 5'-GAATCGAAGCACTTCATTCTTCCCATATTTATCTATCACCCAAGCAGGCATGACAGTGCT[CCTAGGAGAGGTAG>AATCCTTC]TACTAATCCTTCTAACTGAAGGCTTTTGGACAACTTTGCTTCTCCAGAAGCAAACCGCAG-3'